The following is an entry in ClinVar:

ClinVar aggregate classification (germline): Pathogenic (1 of 4 stars; one submission).

Conditions:
Nemaline myopathy 2 (NEM2). Also called: Nemaline myopathy 2, autosomal recessive. Identifiers: MedGen C1850569, MONDO:0009725, OMIM 256030.

Submission:

Labcorp Genetics (formerly Invitae), Labcorp
Classification: Pathogenic for Nemaline myopathy 2. Last evaluated: 2023-12-19. Review status: criteria provided, single submitter. Criteria: Invitae Variant Classification Sherloc (09022015). Collection method: clinical testing. Allele origin: germline.
Comment: This sequence change creates a premature translational stop signal (p.Ser8042*) in the NEB gene. It is expected to result in an absent or disrupted protein product. Loss-of-function variants in NEB are known to be pathogenic (PMID: 25205138). This variant is not present in population databases (gnomAD no frequency). This variant has not been reported in the literature in individuals affected with NEB-related conditions. For these reasons, this variant has been classified as Pathogenic.

Literature cited by the submitters: PubMed 25205138.

NM_001164508.2(NEB):c.24020C>A (p.Ser8007Ter)

Genes: NEB (nebulin; minus strand), RIF1 (replication timing regulatory factor 1; plus strand). Cytogenetic location: 2q23.3.
Variant type: single nucleotide variant.
Coding change: c.24020C>A on transcript NM_001164508.2 (MANE Select); coding-DNA position 24020, C replaced by A.
Protein change: p.Ser8007Ter; replaces serine 8007 with a stop codon.
Molecular consequence: nonsense. On other transcripts: intron variant (1).
Genome position (GRCh38, 1-based): chr2:151,501,392, G>T on the plus strand (C>A on the coding strand, the complement: NEB is on the minus strand). VCF-style: chr2-151501392-G-T. GRCh37 (hg19) VCF-style: chr2-152357906-G-T.
Other names: c.24020C>A, p.Ser8007Ter (NM_001164507.2); c.24125C>A, p.Ser8042Ter (NM_001271208.2); c.18825+1401C>A (NM_004543.5); short protein forms S8042*, S8007*.
Identifiers: ClinVar variation 2703758 (VCV002703758.3), dbSNP rs763365852, ClinGen allele CA348780262.